The following is an entry in ClinVar:

NM_032153.6(ZIC4):c.209A>G (p.Asp70Gly)

Gene: ZIC4 (Zic family zinc finger 4; minus strand). Cytogenetic location: 3q24.
Variant type: single nucleotide variant.
Coding change: c.209A>G on transcript NM_032153.6 (MANE Select); coding-DNA position 209, A replaced by G.
Protein change: p.Asp70Gly; replaces aspartic acid 70 with glycine.
Molecular consequence: missense variant. On other transcripts: intron variant (1).
Genome position (GRCh38, 1-based): chr3:147,396,331, T>C on the plus strand (A>G on the coding strand, the complement: ZIC4 is on the minus strand). VCF-style: chr3-147396331-T-C. GRCh37 (hg19) VCF-style: chr3-147114118-T-C.
Other names: c.323A>G, p.Asp108Gly (NM_001168379.2); c.71-5085A>G (NM_001243256.2); c.359A>G, p.Asp120Gly (NM_001168378.1); short protein forms D108G, D120G, D70G.
Identifiers: ClinVar variation 2176911 (VCV002176911.4), dbSNP rs367841912, ClinGen allele CA2656866.

ClinVar aggregate classification (germline): Uncertain significance (1 of 4 stars; one submission).

Allele frequency attached by ClinVar (database versions not stated): gnomAD exomes 0.00002; ExAC 0.00004; ESP Exome Variant Server 0.00008; gnomAD 0.00013; TOPMed 0.00014; 1000 Genomes Project 30x 0.00016; 1000 Genomes Project 0.00020.
gnomAD v4.1: 51 of 1,585,022 alleles (0.0032%); highest among the groups gnomAD compares: African/African-American, 0.06%; no homozygotes.

Submission:

Labcorp Genetics (formerly Invitae), Labcorp
Classification: Uncertain significance. Last evaluated: 2023-07-21. Review status: criteria provided, single submitter. Criteria: Invitae Variant Classification Sherloc (09022015). Collection method: clinical testing. Allele origin: germline.
Comment: In summary, the available evidence is currently insufficient to determine the role of this variant in disease. Therefore, it has been classified as a Variant of Uncertain Significance. An algorithm developed to predict the effect of missense changes on protein structure and function (PolyPhen-2) suggests that this variant is likely to be disruptive. ClinVar contains an entry for this variant (Variation ID: 2176911). This variant has not been reported in the literature in individuals affected with ZIC4-related conditions. This variant is present in population databases (rs367841912, gnomAD 0.05%). This sequence change replaces aspartic acid, which is acidic and polar, with glycine, which is neutral and non-polar, at codon 120 of the ZIC4 protein (p.Asp120Gly).